The following is an entry in ClinVar:

ClinVar aggregate classification (germline): Uncertain significance (1 of 4 stars; one submission).

Conditions:
Hereditary diffuse gastric adenocarcinoma (HDGC). Also called: DIFFUSE GASTRIC AND LOBULAR BREAST CANCER SYNDROME. Identifiers: Orphanet 26106, MedGen C1708349, MONDO:0007648, OMIM 137215.

gnomAD v4.1: 1 of 1,614,114 alleles (0.000062%); no homozygotes.

Submission:

Labcorp Genetics (formerly Invitae), Labcorp
Classification: Uncertain significance for Hereditary diffuse gastric adenocarcinoma. Last evaluated: 2021-07-24. Review status: criteria provided, single submitter. Criteria: Invitae Variant Classification Sherloc (09022015). Collection method: clinical testing. Allele origin: germline.
Comment: This sequence change replaces tyrosine with cysteine at codon 413 of the CDH1 protein (p.Tyr413Cys). The tyrosine residue is highly conserved and there is a large physicochemical difference between tyrosine and cysteine. This variant is not present in population databases (ExAC no frequency). This variant has not been reported in the literature in individuals affected with CDH1-related conditions. Algorithms developed to predict the effect of missense changes on protein structure and function (SIFT, PolyPhen-2, Align-GVGD) all suggest that this variant is likely to be disruptive. In summary, the available evidence is currently insufficient to determine the role of this variant in disease. Therefore, it has been classified as a Variant of Uncertain Significance.

NM_004360.5(CDH1):c.1238A>G (p.Tyr413Cys)

Gene: CDH1 (cadherin 1; plus strand). Cytogenetic location: 16q22.1.
Variant type: single nucleotide variant.
Coding change: c.1238A>G on transcript NM_004360.5 (MANE Select); coding-DNA position 1238, A replaced by G.
Protein change: p.Tyr413Cys; replaces tyrosine 413 with cysteine.
Molecular consequence: missense variant. On other transcripts: 5 prime UTR variant (2), intron variant (1).
Genome position (GRCh38, 1-based): chr16:68,813,413, A>G. VCF-style: chr16-68813413-A-G. GRCh37 (hg19) VCF-style: chr16-68847316-A-G.
Other names: c.-378A>G (NM_001317185.2); c.-582A>G (NM_001317186.2); c.1137+1150A>G (NM_001317184.2); short protein forms Y413C.
Identifiers: ClinVar variation 1369404 (VCV001369404.8), dbSNP rs2152133505, ClinGen allele CA396461490.
Genomic context (GRCh38, chr16:68,813,413, plus strand): 5'-TCACCACACTGAAAGTGACTGATGCTGATGCCCCCAATACCCCAGCGTGGGAGGCTGTAT[A>G]CACCATATTGAATGATGATGGTGGACAATTTGTCGTCACCACAAATCCAGTGAACAACGA-3'
Protein context (NP_004351.1, residues 403-423): APNTPAWEAV[Tyr413Cys]TILNDDGGQF